The following is an entry in ClinVar:

ClinVar aggregate classification (germline): Conflicting classifications of pathogenicity. Review status: criteria provided, conflicting classifications (1 of 4 stars). 7 submissions from 7 submitters: Uncertain significance (4); Benign (1); Likely benign (2). Last evaluated 2026-02-03.

Conditions:
Tuberous sclerosis syndrome (TSC). Also called: Tuberous Sclerosis Complex; Tuberous sclerosis. Identifiers: Orphanet 805, MedGen C0041341, MONDO:0001734.
Tuberous sclerosis 2 (TSC2). Identifiers: Orphanet 805, MedGen C1860707, MONDO:0013199, OMIM 613254.
Hereditary cancer-predisposing syndrome. Also called: Neoplastic Syndromes, Hereditary; Tumor predisposition; Hereditary Cancer Syndrome; Hereditary neoplastic syndrome. Identifiers: Orphanet 140162, MedGen C0027672, MeSH D009386, MONDO:0015356.

Allele frequency attached by ClinVar (database versions not stated): gnomAD exomes below 0.00001; ExAC 0.00001; TOPMed 0.00001.
gnomAD v4.1: 7 of 1,586,138 alleles (0.00044%); highest among the groups gnomAD compares: Non-Finnish European, 0.0006%; no homozygotes.

Submissions (7):

Labcorp Genetics (formerly Invitae), Labcorp
Classification: Benign for Tuberous sclerosis 2. Last evaluated: 2026-02-03. Review status: criteria provided, single submitter. Criteria: Invitae Variant Classification Sherloc (09022015). Collection method: clinical testing. Allele origin: germline.

Women's Health and Genetics/Laboratory Corporation of America, LabCorp
Classification: Uncertain significance. Last evaluated: 2025-11-03. Review status: criteria provided, single submitter. Criteria: LabCorp Variant Classification Summary - May 2015. Collection method: clinical testing. Allele origin: germline.
Comment: Variant summary: TSC2 c.3240A>C (p.Leu1080Phe) results in a non-conservative amino acid change in the encoded protein sequence. Algorithms developed to predict the effect of missense changes on protein structure and function all suggest that this variant is likely to be disruptive. The variant allele was found at a frequency of 4e-06 in 250106 control chromosomes. The available data on variant occurrences in the general population are insufficient to allow any conclusion about variant significance. To our knowledge, no occurrence of c.3240A>C in individuals affected with TSC2-related conditions and no experimental evidence demonstrating its impact on protein function have been reported. ClinVar contains an entry for this variant (Variation ID: 535907). Based on the evidence outlined above, the variant was classified as uncertain significance.

Color Diagnostics, LLC DBA Color Health
Classification: Uncertain significance for Tuberous sclerosis syndrome. Last evaluated: 2025-07-14. Review status: criteria provided, single submitter. Criteria: ACMG Guidelines, 2015. Collection method: clinical testing. Allele origin: germline.
Comment: This missense variant replaces leucine with phenylalanine at codon 1080 of the TSC2 protein. Computational prediction is inconclusive regarding the impact of this variant on protein structure and function. To our knowledge, functional studies have not been reported for this variant. This variant has not been reported in individuals affected with TSC2-related disorders in the literature. This variant has been identified in 1/250106 chromosomes in the general population by the Genome Aggregation Database (gnomAD). The available evidence is insufficient to determine the role of this variant in disease conclusively. Therefore, this variant is classified as a Variant of Uncertain Significance.

All of Us Research Program, National Institutes of Health
Classification: Uncertain significance for Tuberous sclerosis syndrome. Last evaluated: 2023-11-30. Review status: criteria provided, single submitter. Criteria: ACMG Guidelines, 2015. Collection method: clinical testing. Allele origin: germline. Inheritance: Autosomal dominant inheritance. Observed: 2 variant alleles, 2 heterozygotes.
Comment: This missense variant replaces leucine with phenylalanine at codon 1080 of the TSC2 protein. Computational prediction is inconclusive regarding the impact of this variant on protein structure and function (internally defined REVEL score threshold 0.5 < inconclusive < 0.7, PMID: 27666373). To our knowledge, functional studies have not been reported for this variant. This variant has not been reported in individuals affected with hereditary cancer in the literature. This variant has been identified in 1/250106 chromosomes in the general population by the Genome Aggregation Database (gnomAD). The available evidence is insufficient to determine the role of this variant in disease conclusively. Therefore, this variant is classified as a Variant of Uncertain Significance.

This study involves interpretation of variants in research participants for the purpose of population health screening. Participant phenotype was not available at the time of variant classification. Additional details can be found in publication PMID: 35346344, PMCID: PMC8962531

St. Jude Molecular Pathology, St. Jude Children's Research Hospital
Classification: Uncertain significance for Tuberous sclerosis 2. Last evaluated: 2023-11-13. Review status: criteria provided, single submitter. Criteria: St. Jude Assertion Criteria 2020. Collection method: clinical testing. Allele origin: germline.
Comment: The TSC2 c.3240A>C (p.Leu1080Phe) missense change has a maximum subpopulation frequency of 0.00089% in gnomAD v2.1.1. The in silico tool REVEL is inconclusive about a pathogenic or benign effect of this variant on protein function, and to our knowledge functional studies have not been performed. In summary, the evidence currently available is insufficient to determine the clinical significance of this variant. It has therefore been classified as of uncertain significance.

Ambry Genetics
Classification: Likely benign for Hereditary cancer-predisposing syndrome. Last evaluated: 2023-06-09. Review status: criteria provided, single submitter. Criteria: Ambry Variant Classification Scheme 2023. Collection method: clinical testing. Allele origin: germline.

GeneDx
Classification: Likely benign. Last evaluated: 2018-10-11. Review status: criteria provided, single submitter. Criteria: GeneDx Variant Classification Process June 2021. Collection method: clinical testing. Allele origin: germline. Affected: yes.
Comment: See Variant Classification Assertion Criteria.

NM_000548.5(TSC2):c.3240A>C (p.Leu1080Phe)

Gene: TSC2 (TSC complex subunit 2; plus strand). Cytogenetic location: 16p13.3.
Variant type: single nucleotide variant.
Coding change: c.3240A>C on transcript NM_000548.5 (MANE Select); coding-DNA position 3240, A replaced by C.
Protein change: p.Leu1080Phe; replaces leucine 1080 with phenylalanine.
Molecular consequence: missense variant.
Genome position (GRCh38, 1-based): chr16:2,079,384, A>C. VCF-style: chr16-2079384-A-C. GRCh37 (hg19) VCF-style: chr16-2129385-A-C.
Other names: c.3108A>C, p.Leu1036Phe (NM_001077183.3, NM_001370404.1); c.3240A>C, p.Leu1080Phe (NM_001114382.3); c.3000A>C, p.Leu1000Phe (NM_001318827.2); c.2964A>C, p.Leu988Phe (NM_001318829.2); c.2508A>C, p.Leu836Phe (NM_001318831.2); c.3141A>C, p.Leu1047Phe (NM_001318832.2); c.3111A>C, p.Leu1037Phe (NM_001363528.2, NM_001370405.1, NM_021055.3); short protein forms L1080F, L1036F, L1047F, L1000F, L1037F, L836F, L988F.
Identifiers: ClinVar variation 535907 (VCV000535907.16), dbSNP rs371514669, ClinGen allele CA044925.
Genomic context (GRCh38, chr16:2,079,384, plus strand): 5'-GCTGGTTGGGAACAAGCTTGTCACTGTGACGACAAGCGTGGGAACCGGGACCCGGTCGTT[A>C]CTAGGCCTGGACTCGGGGGAGCTGCAGTCCGGCCCGGAGTCGAGGTGACTGCACCTTCCT-3'
Protein context (NP_000539.2, residues 1070-1090): TTSVGTGTRS[Leu1080Phe]LGLDSGELQS